The following is an entry in ClinVar:

ClinVar aggregate classification (germline): Pathogenic (1 of 4 stars; one submission).

Conditions:
Congenital myasthenic syndrome 13 (CMS13). Also called: Myasthenic syndrome, congenital, with tubular aggregates 2; Myasthenic syndrome, congenital, 13, with tubular aggregates. Identifiers: Orphanet 353327, Orphanet 590, MedGen C3553645, MONDO:0013883, OMIM 614750.
DPAGT1-congenital disorder of glycosylation. Also called: DPAGT1-CDG; CONGENITAL DISORDER OF GLYCOSYLATION, TYPE Ij; CDG Ij. Identifiers: Orphanet 86309, MedGen C2931004, MONDO:0011964, OMIM 608093.

Allele frequency attached by ClinVar (database versions not stated): gnomAD exomes 0.00001; ExAC 0.00002.
gnomAD v4.1: 5 of 1,614,160 alleles (0.00031%); highest among the groups gnomAD compares: Non-Finnish European, 0.00042%; no homozygotes.

Submission:

Labcorp Genetics (formerly Invitae), Labcorp
Classification: Pathogenic for Congenital myasthenic syndrome 13; DPAGT1-congenital disorder of glycosylation. Last evaluated: 2022-11-07. Review status: criteria provided, single submitter. Criteria: Invitae Variant Classification Sherloc (09022015). Collection method: clinical testing. Allele origin: germline.
Comment: This sequence change affects codon 120 of the DPAGT1 mRNA. It is a 'silent' change, meaning that it does not change the encoded amino acid sequence of the DPAGT1 protein. RNA analysis indicates that this variant induces altered splicing and may result in an absent or disrupted protein product. This variant is present in population databases (no rsID available, gnomAD 0.003%). This variant has been observed in individual(s) with clinical features of DPAGT1-related conditions (Invitae). In at least one individual the data is consistent with being in trans (on the opposite chromosome) from a pathogenic variant. ClinVar contains an entry for this variant (Variation ID: 565496). Studies have shown that this variant alters mRNA splicing and is expected to lead to the loss of protein expression (PMID: 24759841). For these reasons, this variant has been classified as Pathogenic.

Literature cited by the submitters: PubMed 24759841.

NM_001382.4(DPAGT1):c.360G>C (p.Leu120=)

Gene: DPAGT1 (dolichyl-phosphate N-acetylglucosaminephosphotransferase 1; minus strand). Cytogenetic location: 11q23.3.
Variant type: single nucleotide variant.
Coding change: c.360G>C on transcript NM_001382.4 (MANE Select); coding-DNA position 360, G replaced by C.
Protein change: p.Leu120=; no amino-acid change (leucine 120 retained).
Molecular consequence: synonymous variant.
Genome position (GRCh38, 1-based): chr11:119,100,766, C>G on the plus strand (G>C on the coding strand, the complement: DPAGT1 is on the minus strand). VCF-style: chr11-119100766-C-G. GRCh37 (hg19) VCF-style: chr11-118971476-C-G.
Identifiers: ClinVar variation 565496 (VCV000565496.7), dbSNP rs1555207826, ClinGen allele CA6314645.